The following is an entry in ClinVar:

ClinVar aggregate classification (germline): Uncertain significance. Review status: criteria provided, multiple submitters, no conflicts (2 of 4 stars). 2 submissions from 2 submitters: Uncertain significance (2). Last evaluated 2026-06-09.

Conditions:
NRP1-related disorder. Also called: NRP1-related condition.

gnomAD v4.1: 173 of 1,613,906 alleles (0.011%); highest among the groups gnomAD compares: Non-Finnish European, 0.014%; no homozygotes.

Submissions (2):

PreventionGenetics, part of Exact Sciences
Classification: Uncertain significance for NRP1-related condition. Last evaluated: 2026-06-09. Review status: criteria provided, single submitter. Criteria: ACMG Guidelines, 2015. Collection method: clinical testing. Allele origin: germline.
Comment: The NRP1 c.1604G>C variant is predicted to result in the amino acid substitution p.Arg535Pro. To our knowledge, this variant has not been reported in the literature. This variant is reported in 0.0035% of alleles in individuals of European (non-Finnish) descent in gnomAD. At this time, the clinical significance of this variant is uncertain due to the absence of conclusive functional and genetic evidence.

Ambry Genetics
Classification: Uncertain significance. Last evaluated: 2025-09-26. Review status: criteria provided, single submitter. Criteria: Ambry Variant Classification Scheme 2023. Collection method: clinical testing. Allele origin: germline.

NM_003873.7(NRP1):c.1604G>C (p.Arg535Pro)

Gene: NRP1 (neuropilin 1; minus strand). Cytogenetic location: 10p11.22.
Variant type: single nucleotide variant.
Coding change: c.1604G>C on transcript NM_003873.7 (MANE Select); coding-DNA position 1604, G replaced by C.
Protein change: p.Arg535Pro; replaces arginine 535 with proline.
Molecular consequence: missense variant. On other transcripts: non-coding transcript variant (1).
Genome position (GRCh38, 1-based): chr10:33,213,396, C>G on the plus strand (G>C on the coding strand, the complement: NRP1 is on the minus strand). VCF-style: chr10-33213396-C-G. GRCh37 (hg19) VCF-style: chr10-33502324-C-G.
Other names: c.1604G>C, p.Arg535Pro (NM_001024628.3, NM_001024629.3, NM_001244972.2 and 2 more transcripts); short protein forms R535P.
Identifiers: ClinVar variation 2372905 (VCV002372905.4), dbSNP rs763657085, ClinGen allele CA5466613.